The following is an entry in ClinVar:

NM_001191061.2(SLC25A22):c.8_12del (p.Asp3fs)

Gene: SLC25A22 (solute carrier family 25 member 22; minus strand). Cytogenetic location: 11p15.5.
Variant type: Deletion.
Coding change: c.8_12del on transcript NM_001191061.2 (MANE Select); coding-DNA positions 8 to 12, 5 bases deleted (ATAAG; older notation c.8_12delATAAG).
Protein change: p.Asp3fs; shifts the reading frame from aspartic acid 3.
Molecular consequence: frameshift variant.
Genome position (GRCh38, 1-based): chr11:794,995-794,999, CTTAT deleted on the plus strand (ATAAG on the coding strand, the reverse complement: SLC25A22 is on the minus strand); deleting any 5 consecutive bases within chr11:794,995-795,000 gives the same sequence; the c. name uses the placement nearest the transcript's 3' end. VCF-style (leftmost placement, unchanged base first): chr11-794994-GCTTAT-G. GRCh37 (hg19) VCF-style: chr11-794994-GCTTAT-G.
Other names: c.8_12del, p.Asp3fs (NM_001191060.2, NM_024698.6); c.7_11delGATAA, p.Asp3Alafs (NM_001425334.1, NM_001425335.1, NM_001425336.1 and 7 more transcripts); c.-317_-313delGATAA (NM_001425344.1); short protein forms D3fs.
Identifiers: ClinVar variation 2700228 (VCV002700228.3), dbSNP rs2495062228, ClinGen allele CA2697558812.

ClinVar aggregate classification (germline): Pathogenic (1 of 4 stars; one submission).

Conditions:
Early-infantile DEE. Also called: Ohtahara syndrome; Early infantile epileptic encephalopathy with suppression bursts; Early infantile epileptic encephalopathy. Identifiers: Orphanet 1934, MedGen C0393706, MONDO:0800491.

Submission:

Labcorp Genetics (formerly Invitae), Labcorp
Classification: Pathogenic for Early-infantile DEE. Last evaluated: 2023-12-01. Review status: criteria provided, single submitter. Criteria: Invitae Variant Classification Sherloc (09022015). Collection method: clinical testing. Allele origin: germline.
Comment: This sequence change creates a premature translational stop signal (p.Asp3Alafs*92) in the SLC25A22 gene. It is expected to result in an absent or disrupted protein product. Loss-of-function variants in SLC25A22 are known to be pathogenic (PMID: 15592994, 19780765). This variant is not present in population databases (gnomAD no frequency). This variant has not been reported in the literature in individuals affected with SLC25A22-related conditions. For these reasons, this variant has been classified as Pathogenic.

Literature cited by the submitters: PubMed 15592994; PubMed 19780765.